The following is an entry in ClinVar:

ClinVar aggregate classification (germline): Conflicting classifications of pathogenicity. Review status: criteria provided, conflicting classifications (1 of 4 stars). 3 submissions from 3 submitters: Uncertain significance (1); Likely benign (2). Last evaluated 2025-10-14.

Conditions:
Telangiectasia, hereditary hemorrhagic, type 1 (HHT1). Also called: Osler Weber Rendu syndrome type 1; ENG-Related Hereditary Hemorrhagic Telangiectasia. Identifiers: Orphanet 774, MedGen C4551861, MONDO:0008535, OMIM 187300. Disease mechanism: loss of function.
Hereditary hemorrhagic telangiectasia (HHT). Also called: Osler hemorrhagic telangiectasia syndrome; ORW DISEASE; Osler Weber Rendu syndrome; OSLER-RENDU-WEBER DISEASE. Identifiers: Orphanet 774, MedGen C0039445, MONDO:0019180. Disease mechanism: loss of function.

Allele frequency attached by ClinVar (database versions not stated): TOPMed 0.00007; gnomAD 0.00009 and 0.00008; 1000 Genomes Project 30x 0.00031; gnomAD exomes 0.00004; 1000 Genomes Project 0.00040; ExAC below 0.00001.
gnomAD v4.1: 76 of 1,587,608 alleles (0.0048%); highest among the groups gnomAD compares: Non-Finnish European, 0.0059%; no homozygotes.

Submissions (3):

Labcorp Genetics (formerly Invitae), Labcorp
Classification: Likely benign for Hereditary hemorrhagic telangiectasia. Last evaluated: 2025-10-14. Review status: criteria provided, single submitter. Criteria: Invitae Variant Classification Sherloc (09022015). Collection method: clinical testing. Allele origin: germline.

Women's Health and Genetics/Laboratory Corporation of America, LabCorp
Classification: Likely benign. Last evaluated: 2024-10-07. Review status: criteria provided, single submitter. Criteria: LabCorp Variant Classification Summary - May 2015. Collection method: clinical testing. Allele origin: germline.
Comment: Variant summary: ENG c.1873C>G (p.Gln625Glu) results in a conservative amino acid change in the encoded protein sequence. Five of five in-silico tools predict a benign effect of the variant on protein function. The variant allele was found at a frequency of 4.8e-05 in 1587608 control chromosomes. The observed variant frequency is approximately 1.15 fold of the estimated maximal expected allele frequency for a pathogenic variant in ENG causing Hereditary Hemorrhagic Telangiectasia phenotype (4.2e-05). To our knowledge, no occurrence of c.1873C>G in individuals affected with Hereditary Hemorrhagic Telangiectasia and no experimental evidence demonstrating its impact on protein function have been reported. ClinVar contains an entry for this variant (Variation ID: 577031). Based on the evidence outlined above, the variant was classified as likely benign.

Johns Hopkins Genomics, Johns Hopkins University
Classification: Uncertain significance for Telangiectasia, hereditary hemorrhagic, type 1. Last evaluated: 2019-10-14. Review status: criteria provided, single submitter. Criteria: ACMG Guidelines, 2015. Collection method: clinical testing. Allele origin: germline.
Comment: This ENG variant (rs147188969) is rare (<0.1%) in a large population dataset (gnomAD: 10/237498 total alleles; 0.004211%; no homozygotes). A single submitter in ClinVar classifies this variant as uncertain and p.Gln625Glu has not been reported in the literature to our knowledge. Of two bioinformatics tools queried, one predicts that the substitution would be damaging, while the other predicts that it would be benign. The glutamine residue at this position is evolutionarily conserved across some species, but not all. Due to lack of segregation and functional data, we consider the clinical significance of c.1873C>G to be uncertain at this time.

NM_001114753.3(ENG):c.1852+21C>G

Gene: ENG (endoglin; minus strand). Cytogenetic location: 9q34.11.
Variant type: single nucleotide variant.
Coding change: c.1852+21C>G on transcript NM_001114753.3 (MANE Select); 21 bases into the intron after coding-DNA position 1852, C replaced by G.
Molecular consequence: intron variant. On other transcripts: missense variant (1).
Genome position (GRCh38, 1-based): chr9:127,815,922, G>C on the plus strand (C>G on the coding strand, the complement: ENG is on the minus strand). VCF-style: chr9-127815922-G-C. GRCh37 (hg19) VCF-style: chr9-130578201-G-C.
Other names: c.1873C>G, p.Gln625Glu (NM_000118.4); c.1306+21C>G (NM_001278138.2); short protein forms Q625E.
Identifiers: ClinVar variation 577031 (VCV000577031.14), dbSNP rs147188969, ClinGen allele CA5252617.